The following is an entry in ClinVar:

ClinVar aggregate classification (germline): Likely pathogenic (1 of 4 stars; one submission).

Conditions:
Autosomal dominant nonsyndromic hearing loss 65. Also called: Deafness, autosomal dominant 65; TBC1D24-Related Autosomal Dominant Nonsyndromic Hearing Loss (DFNA). Identifiers: Orphanet 90635, MedGen C3892048, MONDO:0014470, OMIM 616044.
Developmental and epileptic encephalopathy, 1 (DEE1). Also called: X-linked infantile spasms; West's syndrome; Tonic spasms with clustering, arrest of psychomotor development and hypsarrhythmia on EEG; X-Linked Infantile Spasm Syndrome; OHTAHARA SYNDROME, X-LINKED; INFANTILE SPASM SYNDROME, X-LINKED 1. Identifiers: MedGen C3463992, MONDO:0010632, OMIM 308350. Disease mechanism: loss of function.

Submission:

Labcorp Genetics (formerly Invitae), Labcorp
Classification: Likely pathogenic for Developmental and epileptic encephalopathy, 1; Autosomal dominant nonsyndromic hearing loss 65. Last evaluated: 2020-12-16. Review status: criteria provided, single submitter. Criteria: Invitae Variant Classification Sherloc (09022015). Collection method: clinical testing. Allele origin: germline.
Comment: In summary, the currently available evidence indicates that the variant is pathogenic, but additional data are needed to prove that conclusively. Therefore, this variant has been classified as Likely Pathogenic. This variant has not been reported in the literature in individuals with TBC1D24-related conditions. This variant is not present in population databases (ExAC no frequency). This sequence change affects an acceptor splice site in intron 6 of the TBC1D24 gene. It is expected to disrupt RNA splicing. Variants that disrupt the donor or acceptor splice site typically lead to a loss of protein function (PMID: 16199547), and loss-of-function variants in TBC1D24 are known to be pathogenic (PMID: 23526554, 24291220).

Literature cited by the submitters: PubMed 16199547; PubMed 23526554; PubMed 24291220.

NM_001199107.2(TBC1D24):c.1303-2A>G

Gene: TBC1D24 (TBC1 domain family member 24; plus strand). Cytogenetic location: 16p13.3.
Variant type: single nucleotide variant.
Coding change: c.1303-2A>G on transcript NM_001199107.2 (MANE Select); the canonical splice acceptor site of the intron before coding-DNA position 1303, A replaced by G.
Molecular consequence: splice acceptor variant.
Genome position (GRCh38, 1-based): chr16:2,500,266, A>G. VCF-style: chr16-2500266-A-G. GRCh37 (hg19) VCF-style: chr16-2550267-A-G.
Other names: c.1285-2A>G (NM_020705.3).
Identifiers: ClinVar variation 1517295 (VCV001517295.8), dbSNP rs2141876985, ClinGen allele CA394380340.
Genomic context (GRCh38, chr16:2,500,266, plus strand): 5'-CTCTGGGGCAGAGGGGCCTGCGAACGCCCGCGCCAGCTCCTCACACTCCCCTTCCACCCC[A>G]GCTGCAGCCTGAGGTGCAGCGCTACGAGTGGGTGGTGATCAAGCACCCCGAGCTGACCAA-3'